The following is an entry in ClinVar:

NM_000113.3(TOR1A):c.331G>C (p.Val111Leu)

Gene: TOR1A (torsin family 1 member A; minus strand). Cytogenetic location: 9q34.11.
Variant type: single nucleotide variant.
Coding change: c.331G>C on transcript NM_000113.3 (MANE Select); coding-DNA position 331, G replaced by C.
Protein change: p.Val111Leu; replaces valine 111 with leucine.
Molecular consequence: missense variant.
Genome position (GRCh38, 1-based): chr9:129,822,694, C>G on the plus strand (G>C on the coding strand, the complement: TOR1A is on the minus strand). VCF-style: chr9-129822694-C-G. GRCh37 (hg19) VCF-style: chr9-132584973-C-G.
Other names: p.Val111Leu; short protein forms V111L.
Identifiers: ClinVar variation 4541482 (VCV004541482.2).

ClinVar aggregate classification (germline): Uncertain significance. Review status: criteria provided, multiple submitters, no conflicts (2 of 4 stars). 2 submissions from 2 submitters: Uncertain significance (2). Last evaluated 2025-12-04.

Conditions:
Dystonic disorder. Also called: Dystonia. Identifiers: MedGen C0013421, MONDO:0003441, HP:0001332.

gnomAD v4.1: 57 of 1,614,056 alleles (0.0035%); highest among the groups gnomAD compares: Middle Eastern, 0.033%; no homozygotes.

Submissions (2):

Mayo Clinic Laboratories, Mayo Clinic
Classification: Uncertain significance. Last evaluated: 2025-12-04. Review status: criteria provided, single submitter. Criteria: ACMG Guidelines, 2015. Collection method: clinical testing. Allele origin: germline. Observed: 1 variant allele.
Comment: BP4

Labcorp Genetics (formerly Invitae), Labcorp
Classification: Uncertain significance for Dystonic disorder. Last evaluated: 2025-07-03. Review status: criteria provided, single submitter. Criteria: Invitae Variant Classification Sherloc (09022015). Collection method: clinical testing. Allele origin: germline.
Comment: This sequence change replaces valine, which is neutral and non-polar, with leucine, which is neutral and non-polar, at codon 111 of the TOR1A protein (p.Val111Leu). This variant is present in population databases (rs755593280, gnomAD 0.03%). This variant has not been reported in the literature in individuals affected with TOR1A-related conditions. Invitae Evidence Modeling of protein sequence and biophysical properties (such as structural, functional, and spatial information, amino acid conservation, physicochemical variation, residue mobility, and thermodynamic stability) indicates that this missense variant is not expected to disrupt TOR1A protein function with a negative predictive value of 80%. In summary, the available evidence is currently insufficient to determine the role of this variant in disease. Therefore, it has been classified as a Variant of Uncertain Significance.

Literature cited by the submitters: PubMed 38214203 (cited by Mayo Clinic Laboratories, Mayo Clinic).